The following is an entry in ClinVar:

NM_003754.3(EIF3F):c.276C>G (p.Val92=)

Gene: EIF3F (eukaryotic translation initiation factor 3 subunit F; plus strand). Cytogenetic location: 11p15.4.
Variant type: single nucleotide variant.
Coding change: c.276C>G on transcript NM_003754.3 (MANE Select); coding-DNA position 276, C replaced by G.
Protein change: p.Val92=; no amino-acid change (valine 92 retained).
Molecular consequence: synonymous variant.
Genome position (GRCh38, 1-based): chr11:7,987,628, C>G. VCF-style: chr11-7987628-C-G. GRCh37 (hg19) VCF-style: chr11-8009175-C-G.
Other names: c.276C>G (NM_003754.2).
Identifiers: ClinVar variation 2641577 (VCV002641577.25), dbSNP rs759772480, ClinGen allele CA5870476.

ClinVar aggregate classification (germline): Likely benign. Review status: criteria provided, single submitter (1 of 4 stars). 2 submissions from 2 submitters: Likely benign (1). 1 of the submissions does not count toward it. Last evaluated 2023-04-01.

Conditions:
EIF3F-related disorder. Also called: EIF3F-related condition.

Allele frequency attached by ClinVar (database versions not stated): ExAC 0.00004; TOPMed 0.00001; gnomAD 0.00003; gnomAD exomes 0.00003.

Submissions (2):

CeGaT Center for Human Genetics Tuebingen
Classification: Likely benign. Last evaluated: 2023-04-01. Review status: criteria provided, single submitter. Criteria: CeGaT Center For Human Genetics Tuebingen Variant Classification Criteria Version 2. Collection method: clinical testing. Allele origin: germline. Affected: yes. Observed: 1 variant allele.
Comment: EIF3F: BP4, BP7

PreventionGenetics, part of Exact Sciences
Classification: Likely benign for EIF3F-related condition. Last evaluated: 2023-12-27. Review status: no assertion criteria provided. Collection method: clinical testing. Allele origin: germline. Not counted in ClinVar's aggregate classification.
Comment: This variant is classified as likely benign based on ACMG/AMP sequence variant interpretation guidelines (Richards et al. 2015 PMID: 25741868, with internal and published modifications).